The following is an entry in ClinVar:

NM_002432.3(MNDA):c.173G>T (p.Gly58Val)

Gene: MNDA (myeloid cell nuclear differentiation antigen; plus strand). Cytogenetic location: 1q23.1.
Variant type: single nucleotide variant.
Coding change: c.173G>T on transcript NM_002432.3 (MANE Select); coding-DNA position 173, G replaced by T.
Protein change: p.Gly58Val; replaces glycine 58 with valine.
Molecular consequence: missense variant.
Genome position (GRCh38, 1-based): chr1:158,842,326, G>T. VCF-style: chr1-158842326-G-T. GRCh37 (hg19) VCF-style: chr1-158812116-G-T.
Other names: short protein forms G58V.
Identifiers: ClinVar variation 1779174 (VCV001779174.2), dbSNP rs1018000326, ClinGen allele CA31302961.

ClinVar aggregate classification (germline): Uncertain significance (1 of 4 stars; one submission).

Allele frequency attached by ClinVar (database versions not stated): gnomAD exomes below 0.00001; TOPMed 0.00001.
gnomAD v4.1: 1 of 1,614,112 alleles (0.000062%); highest among the groups gnomAD compares: Non-Finnish European, 0.000085%; no homozygotes.

Submission:

Ambry Genetics
Classification: Uncertain significance. Last evaluated: 2023-12-24. Review status: criteria provided, single submitter. Criteria: Ambry Variant Classification Scheme 2023. Collection method: clinical testing. Allele origin: germline.
Comment: The p.G58V variant (also known as c.173G>T), located in coding exon 1 of the MNDA gene, results from a G to T substitution at nucleotide position 173. The glycine at codon 58 is replaced by valine, an amino acid with dissimilar properties. This amino acid position is conserved. In addition, this alteration is predicted to be tolerated by in silico analysis. Since supporting evidence is limited at this time, the clinical significance of this alteration remains unclear.